The following is an entry in ClinVar:

NM_000465.4(BARD1):c.559_577del (p.Pro187fs)

Gene: BARD1 (BRCA1 associated RING domain 1; minus strand). Cytogenetic location: 2q35.
Variant type: Deletion.
Coding change: c.559_577del on transcript NM_000465.4 (MANE Select); coding-DNA positions 559 to 577, 19 bases deleted (CCTCCTGCAGATGTTTCTG).
Protein change: p.Pro187fs; shifts the reading frame from proline 187.
Molecular consequence: frameshift variant. On other transcripts: non-coding transcript variant (2), intron variant (3).
Genome position (GRCh38, 1-based): chr2:214,781,297-214,781,315, CAGAAACATCTGCAGGAGG deleted on the plus strand (CCTCCTGCAGATGTTTCTG on the coding strand, the reverse complement: BARD1 is on the minus strand). VCF-style (leftmost placement, unchanged base first): chr2-214781296-TCAGAAACATCTGCAGGAGG-T. GRCh37 (hg19) VCF-style: chr2-215646020-TCAGAAACATCTGCAGGAGG-T.
Other names: c.502_520del, p.Pro168fs (NM_001282543.2); c.158+28097_158+28115del (NM_001282548.2); c.215+15746_215+15764del (NM_001282545.2); c.364+10982_364+11000del (NM_001282549.2); short protein forms P168fs, P187fs.
Identifiers: ClinVar variation 3231801 (VCV003231801.1), dbSNP rs2469511724, ClinGen allele CA2825001078.
Genomic context (GRCh38, chr2:214,781,296, plus strand): 5'-TCAGCTAAAGTTTTCTTTTTTTGCTTTTTTCCAGATCTTGCAGAAGCCTTTTTAGCCCTC[TCAGAAACATCTGCAGGAGG>T]ACTTGGGGAAACAAATTCATATGAGTCTTGCTGAGCACTTGCATCTTTTTTTATTGCAGG-3'

ClinVar aggregate classification (germline): Pathogenic (1 of 4 stars; one submission).

Conditions:
Hereditary cancer-predisposing syndrome. Also called: Neoplastic Syndromes, Hereditary; Tumor predisposition; Hereditary neoplastic syndrome; Hereditary Cancer Syndrome. Identifiers: Orphanet 140162, MedGen C0027672, MeSH D009386, MONDO:0015356.

Submission:

Ambry Genetics
Classification: Pathogenic for Hereditary cancer-predisposing syndrome. Last evaluated: 2023-10-13. Review status: criteria provided, single submitter. Criteria: Ambry Variant Classification Scheme 2023. Collection method: clinical testing. Allele origin: germline.
Comment: The c.559_577del19 pathogenic mutation, located in coding exon 4 of the BARD1 gene, results from a deletion of 19 nucleotides at nucleotide positions 559 to 577, causing a translational frameshift with a predicted alternate stop codon (p.P187Rfs*19). This variant is considered to be rare based on population cohorts in the Genome Aggregation Database (gnomAD). This alteration is expected to result in loss of function by premature protein truncation or nonsense-mediated mRNA decay. As such, this alteration is interpreted as a disease-causing mutation.